The following is an entry in ClinVar:

NM_021008.4(DEAF1):c.83C>T (p.Ala28Val)

Gene: DEAF1 (DEAF1 transcription factor; minus strand). Cytogenetic location: 11p15.5.
Variant type: single nucleotide variant.
Coding change: c.83C>T on transcript NM_021008.4 (MANE Select); coding-DNA position 83, C replaced by T.
Protein change: p.Ala28Val; replaces alanine 28 with valine.
Molecular consequence: missense variant. On other transcripts: intron variant (1).
Genome position (GRCh38, 1-based): chr11:694,965, G>A on the plus strand (C>T on the coding strand, the complement: DEAF1 is on the minus strand). VCF-style: chr11-694965-G-A. GRCh37 (hg19) VCF-style: chr11-694965-G-A.
Other names: c.83C>T, p.Ala28Val (NM_001293634.2); c.-437-3367C>T (NM_001367390.1); short protein forms A28V.
Identifiers: ClinVar variation 1437388 (VCV001437388.8), dbSNP rs1387137892, ClinGen allele CA378940264.

ClinVar aggregate classification (germline): Uncertain significance (1 of 4 stars; one submission).

Allele frequency attached by ClinVar (database versions not stated): gnomAD exomes 0.00001.
gnomAD v4.1: 10 of 1,140,844 alleles (0.00088%); highest among the groups gnomAD compares: South Asian, 0.0032%; no homozygotes.

Submission:

Labcorp Genetics (formerly Invitae), Labcorp
Classification: Uncertain significance. Last evaluated: 2026-01-05. Review status: criteria provided, single submitter. Criteria: Invitae Variant Classification Sherloc (09022015). Collection method: clinical testing. Allele origin: germline.
Comment: This sequence change replaces alanine, which is neutral and non-polar, with valine, which is neutral and non-polar, at codon 28 of the DEAF1 protein (p.Ala28Val). This variant is not present in population databases (gnomAD no frequency). This variant has not been reported in the literature in individuals affected with DEAF1-related conditions. ClinVar contains an entry for this variant (Variation ID: 1437388). Invitae Evidence Modeling of protein sequence and biophysical properties (such as structural, functional, and spatial information, amino acid conservation, physicochemical variation, residue mobility, and thermodynamic stability) indicates that this missense variant is not expected to disrupt DEAF1 protein function with a negative predictive value of 80%. In summary, the available evidence is currently insufficient to determine the role of this variant in disease. Therefore, it has been classified as a Variant of Uncertain Significance.